The following is an entry in ClinVar:

ClinVar aggregate classification (germline): Uncertain significance (1 of 4 stars; one submission).

Conditions:
3-methylcrotonyl-CoA carboxylase 2 deficiency. Also called: METHYLCROTONYLGLYCINURIA, TYPE II; 3 alpha methylcrotonyl-CoA carboxylase 2 deficiency; 3 alpha methylcrotonylglycinuria 2; MCC 2 deficiency; Methylcrotonylglycinuria type 2. Identifiers: Orphanet 6, MedGen C1859499, MONDO:0008862, OMIM 210210.

Submission:

Labcorp Genetics (formerly Invitae), Labcorp
Classification: Uncertain significance for 3-methylcrotonyl-CoA carboxylase 2 deficiency. Last evaluated: 2022-05-26. Review status: criteria provided, single submitter. Criteria: Invitae Variant Classification Sherloc (09022015). Collection method: clinical testing. Allele origin: germline.
Comment: This variant, c.338_340del, results in the deletion of 1 amino acid(s) of the MCCC2 protein (p.Glu113del), but otherwise preserves the integrity of the reading frame. This variant is present in population databases (rs750854953, gnomAD 0.01%). This variant has not been reported in the literature in individuals affected with MCCC2-related conditions. Experimental studies and prediction algorithms are not available or were not evaluated, and the functional significance of this variant is currently unknown. Algorithms developed to predict the effect of sequence changes on RNA splicing suggest that this variant may create or strengthen a splice site. In summary, the available evidence is currently insufficient to determine the role of this variant in disease. Therefore, it has been classified as a Variant of Uncertain Significance.

NM_022132.5(MCCC2):c.335AGG[1] (p.Glu113del)

Gene: MCCC2 (methylcrotonyl-CoA carboxylase subunit 2; plus strand). Cytogenetic location: 5q13.2.
Variant type: Microsatellite.
Coding change: c.335AGG[1] on transcript NM_022132.5 (MANE Select); one copy of the 3-base unit AGG starting at c.335; the reference has two copies in a row; one copy, 3 bases deleted.
Protein change: p.Glu113del; deletes glutamic acid 113.
Molecular consequence: inframe deletion.
Genome position (GRCh38, 1-based): chr5:71,599,715-71,599,717, AGG deleted; deleting any 3 consecutive bases within chr5:71,599,711-71,599,717 gives the same sequence; the position shown is the placement nearest the transcript's 3' end. VCF-style (leftmost placement, unchanged base first): chr5-71599710-TGAG-T. GRCh37 (hg19) VCF-style: chr5-70895537-TGAG-T.
Other names: c.335AGG[1], p.Glu113del (NM_001363147.1); short protein forms E113del.
Identifiers: ClinVar variation 2164184 (VCV002164184.1), dbSNP rs750854953, ClinGen allele CA3297743.
Genomic context (GRCh38, chr5:71,599,710, plus strand): 5'-TCGCTTTAGGTCTCCATTTCTGGAATTATCCCAGTTTGCAGGTTACCAGTTATATGACAA[TGAG>T]GAGGTGCCAGGAGGTGGCATTATTACAGGCATTGGAAGAGTATCAGGGTGAGTATTCTAC-3'